The following is an entry in ClinVar:

ClinVar aggregate classification (germline): Uncertain significance (1 of 4 stars; one submission).

gnomAD v4.1: 9 of 1,613,052 alleles (0.00056%); highest among the groups gnomAD compares: East Asian, 0.0045%; no homozygotes.

Submission:

Labcorp Genetics (formerly Invitae), Labcorp
Classification: Uncertain significance. Last evaluated: 2025-10-11. Review status: criteria provided, single submitter. Criteria: Invitae Variant Classification Sherloc (09022015). Collection method: clinical testing. Allele origin: germline.
Comment: This sequence change replaces arginine, which is basic and polar, with tryptophan, which is neutral and slightly polar, at codon 240 of the STAT4 protein (p.Arg240Trp). This variant is present in population databases (no rsID available, gnomAD 0.006%). This variant has not been reported in the literature in individuals affected with STAT4-related conditions. Invitae Evidence Modeling of protein sequence and biophysical properties (such as structural, functional, and spatial information, amino acid conservation, physicochemical variation, residue mobility, and thermodynamic stability) indicates that this missense variant is not expected to disrupt STAT4 protein function with a negative predictive value of 80%. In summary, the available evidence is currently insufficient to determine the role of this variant in disease. Therefore, it has been classified as a Variant of Uncertain Significance.

NM_003151.4(STAT4):c.718C>T (p.Arg240Trp)

Gene: STAT4 (signal transducer and activator of transcription 4; minus strand). Cytogenetic location: 2q32.2.
Variant type: single nucleotide variant.
Coding change: c.718C>T on transcript NM_003151.4 (MANE Select); coding-DNA position 718, C replaced by T.
Protein change: p.Arg240Trp; replaces arginine 240 with tryptophan.
Molecular consequence: missense variant.
Genome position (GRCh38, 1-based): chr2:191,064,871, G>A on the plus strand (C>T on the coding strand, the complement: STAT4 is on the minus strand). VCF-style: chr2-191064871-G-A. GRCh37 (hg19) VCF-style: chr2-191929597-G-A.
Other names: c.718C>T, p.Arg240Trp (NM_001243835.2); short protein forms R240W.
Identifiers: ClinVar variation 4765456 (VCV004765456.1).
Genomic context (GRCh38, chr2:191,064,871, plus strand): 5'-TCTGAAGCTGGTCGAGCCCATTGTGGAGTGGACCCCCGATGCAGGCGATTTGCTGCCGCC[G>A]CTTCCAGTCTTGCAGCTCTTCTATGAGCATGGTGTTCATTAACAGGTCTGTCTCATGGAT-3'
Protein context (NP_003142.1, residues 230-250): MLIEELQDWK[Arg240Trp]RQQIACIGGP